The following is an entry in ClinVar:

ClinVar aggregate classification (germline): Conflicting classifications of pathogenicity. Review status: criteria provided, conflicting classifications (1 of 4 stars). 3 submissions from 3 submitters: Likely pathogenic (1); Uncertain significance (2). Last evaluated 2024-05-11.

Conditions:
Primary hyperoxaluria type 3. Also called: PH III. Identifiers: Orphanet 416, Orphanet 93600, MedGen C3150878, MONDO:0013327, OMIM 613616. Disease mechanism: loss of function.

Allele frequency attached by ClinVar (database versions not stated): gnomAD exomes below 0.00001 and 0.00003; gnomAD 0.00001; TOPMed 0.00001.
gnomAD v4.1: 39 of 1,614,072 alleles (0.0024%); highest among the groups gnomAD compares: Non-Finnish European, 0.0033%; no homozygotes.

Submissions (3):

Fulgent Genetics
Classification: Uncertain significance for Primary hyperoxaluria type 3. Last evaluated: 2024-05-11. Review status: criteria provided, single submitter. Criteria: ACMG Guidelines, 2015. Collection method: clinical testing. Allele origin: germline.

Rare Kidney Stone Consortium and the Mayo Clinic Hyperoxaluria Center, Mayo Clinic
Classification: Likely pathogenic for Primary hyperoxaluria type 3. Last evaluated: 2023-10-27. Review status: criteria provided, single submitter. Criteria: ACMG Guidelines, 2015. Collection method: clinical testing. Allele origin: germline. Affected: yes.
Comment: ACMG:PM2, PM3 PP3 PP4

Labcorp Genetics (formerly Invitae), Labcorp
Classification: Uncertain significance. Last evaluated: 2021-09-01. Review status: criteria provided, single submitter. Criteria: Invitae Variant Classification Sherloc (09022015). Collection method: clinical testing. Allele origin: germline.
Comment: This sequence change replaces leucine with glutamine at codon 178 of the HOGA1 protein (p.Leu178Gln). The leucine residue is highly conserved and there is a moderate physicochemical difference between leucine and glutamine. This variant is not present in population databases (ExAC no frequency). This variant has not been reported in the literature in individuals affected with HOGA1-related conditions. Advanced modeling of protein sequence and biophysical properties (such as structural, functional, and spatial information, amino acid conservation, physicochemical variation, residue mobility, and thermodynamic stability) performed at Invitae indicates that this missense variant is expected to disrupt HOGA1 protein function. In summary, the available evidence is currently insufficient to determine the role of this variant in disease. Therefore, it has been classified as a Variant of Uncertain Significance.

Literature cited by the submitters: PubMed 34805638 (cited by Rare Kidney Stone Consortium and the Mayo Clinic Hyperoxaluria Center, Mayo Clinic).

NM_138413.4(HOGA1):c.533T>A (p.Leu178Gln)

Gene: HOGA1 (4-hydroxy-2-oxoglutarate aldolase 1; plus strand). Cytogenetic location: 10q24.2.
Variant type: single nucleotide variant.
Coding change: c.533T>A on transcript NM_138413.4 (MANE Select); coding-DNA position 533, T replaced by A.
Protein change: p.Leu178Gln; replaces leucine 178 with glutamine.
Molecular consequence: missense variant. On other transcripts: intron variant (1).
Genome position (GRCh38, 1-based): chr10:97,599,744, T>A. VCF-style: chr10-97599744-T-A. GRCh37 (hg19) VCF-style: chr10-99359501-T-A.
Other names: c.212-2113T>A (NM_001134670.2); short protein forms L178Q.
Identifiers: ClinVar variation 1483414 (VCV001483414.7), dbSNP rs796052090, ClinGen allele CA377978212.